The following is an entry in ClinVar:

ClinVar aggregate classification (germline): Uncertain significance (1 of 4 stars; one submission).

Conditions:
Heterotopia, periventricular, X-linked dominant (PVNH1). Also called: PERIVENTRICULAR NODULAR HETEROTOPIA 4; HETEROTOPIA, PERIVENTRICULAR, 1; PERIVENTRICULAR NODULAR HETEROTOPIA 1; X-linked periventricular heterotopia. Identifiers: Orphanet 2149, Orphanet 82004, MedGen C1848213, MONDO:0010233, OMIM 300049.
Melnick-Needles syndrome (MNS). Also called: MELNICK-NEEDLES OSTEODYSPLASTY; OSTEODYSPLASTY OF MELNICK AND NEEDLES; Melnick-Needles Syndrome (FLNA-MNS). Identifiers: Orphanet 2484, MedGen C0025237, MONDO:0010650, OMIM 309350.
Frontometaphyseal dysplasia (FMD1). Identifiers: Orphanet 1826, MedGen C0265293, MONDO:0015942.
Oto-palato-digital syndrome, type II (OPD2). Also called: FACIOPALATOOSSEOUS SYNDROME; OPD II SYNDROME; Otopalatodigital Syndrome, Type II; Otopalatodigital Syndrome Type 2 (FLNA-OPD2). Identifiers: Orphanet 669, Orphanet 90652, MedGen C1844696, MONDO:0010571, OMIM 304120.

gnomAD v4.1: 1 of 1,207,393 alleles (0.000083%); highest among the groups gnomAD compares: Non-Finnish European, 0.00011%; no homozygotes.

Submission:

Labcorp Genetics (formerly Invitae), Labcorp
Classification: Uncertain significance for Oto-palato-digital syndrome, type II; Heterotopia, periventricular, X-linked dominant; Frontometaphyseal dysplasia; Melnick-Needles syndrome. Last evaluated: 2021-11-04. Review status: criteria provided, single submitter. Criteria: Invitae Variant Classification Sherloc (09022015). Collection method: clinical testing. Allele origin: germline.
Comment: In summary, the available evidence is currently insufficient to determine the role of this variant in disease. Therefore, it has been classified as a Variant of Uncertain Significance. Advanced modeling of protein sequence and biophysical properties (such as structural, functional, and spatial information, amino acid conservation, physicochemical variation, residue mobility, and thermodynamic stability) performed at Invitae indicates that this missense variant is not expected to disrupt FLNA protein function. This variant has not been reported in the literature in individuals affected with FLNA-related conditions. This variant is present in population databases (no rsID available, gnomAD 0.01%). This sequence change replaces arginine, which is basic and polar, with glycine, which is neutral and non-polar, at codon 2635 of the FLNA protein (p.Arg2635Gly).

NM_001110556.2(FLNA):c.7927C>G (p.Arg2643Gly)

Genes: FLNA (filamin A; minus strand), LOC107988032 (Xq28 proximal FLNA-EMD recombination region; plus strand). Cytogenetic location: Xq28.
Variant type: single nucleotide variant.
Coding change: c.7927C>G on transcript NM_001110556.2 (MANE Select); coding-DNA position 7927, C replaced by G.
Protein change: p.Arg2643Gly; replaces arginine 2643 with glycine.
Molecular consequence: missense variant.
Genome position (GRCh38, 1-based): chrX:154,348,866, G>C on the plus strand (C>G on the coding strand, the complement: FLNA is on the minus strand). VCF-style: chrX-154348866-G-C. GRCh37 (hg19) VCF-style: chrX-153577234-G-C.
Other names: c.7903C>G, p.Arg2635Gly (NM_001456.4); short protein forms R2635G, R2643G.
Identifiers: ClinVar variation 1391252 (VCV001391252.6), dbSNP rs200836471, ClinGen allele CA415176865.